The following is an entry in ClinVar:

NM_005732.4(RAD50):c.2339C>T (p.Pro780Leu)

Gene: RAD50 (RAD50 double strand break repair protein; plus strand). Cytogenetic location: 5q31.1.
Variant type: single nucleotide variant.
Coding change: c.2339C>T on transcript NM_005732.4 (MANE Select); coding-DNA position 2339, C replaced by T.
Protein change: p.Pro780Leu; replaces proline 780 with leucine.
Molecular consequence: missense variant.
Genome position (GRCh38, 1-based): chr5:132,603,431, C>T. VCF-style: chr5-132603431-C-T. GRCh37 (hg19) VCF-style: chr5-131939123-C-T.
Other names: c.2339C>T (NM_005732.3); short protein forms P780L.
Identifiers: ClinVar variation 2908181 (VCV002908181.4), dbSNP rs2479665094, ClinGen allele CA360954759.
Genomic context (GRCh38, chr5:132,603,431, plus strand): 5'-ACATACAGCGCCTAAAGAACGACATAGAAGAACAAGAAACACTCTTGGGTACAATAATGC[C>T]TGAAGAAGAAAGTGCCAAAGTATGCCTGACAGATGTTACAATTATGGAGAGGTTCCAGGT-3'
Protein context (NP_005723.2, residues 770-790): EQETLLGTIM[Pro780Leu]EEESAKVCLT

ClinVar aggregate classification (germline): Uncertain significance. Review status: criteria provided, multiple submitters, no conflicts (2 of 4 stars). 2 submissions from 2 submitters: Uncertain significance (2). Last evaluated 2024-09-23.

Conditions:
Hereditary cancer-predisposing syndrome. Also called: Hereditary Cancer Syndrome; Tumor predisposition; Hereditary neoplastic syndrome; Neoplastic Syndromes, Hereditary. Identifiers: Orphanet 140162, MedGen C0027672, MeSH D009386, MONDO:0015356.

Submissions (2):

Ambry Genetics
Classification: Uncertain significance for Hereditary cancer-predisposing syndrome. Last evaluated: 2024-09-23. Review status: criteria provided, single submitter. Criteria: Ambry Variant Classification Scheme 2023. Collection method: clinical testing. Allele origin: germline.
Comment: The p.P780L variant (also known as c.2339C>T), located in coding exon 14 of the RAD50 gene, results from a C to T substitution at nucleotide position 2339. The proline at codon 780 is replaced by leucine, an amino acid with similar properties. This amino acid position is conserved. In addition, this alteration is predicted to be tolerated by in silico analysis. Based on the available evidence, the clinical significance of this variant remains unclear.

Labcorp Genetics (formerly Invitae), Labcorp
Classification: Uncertain significance for Hereditary cancer-predisposing syndrome. Last evaluated: 2023-10-03. Review status: criteria provided, single submitter. Criteria: Invitae Variant Classification Sherloc (09022015). Collection method: clinical testing. Allele origin: germline.
Comment: This sequence change replaces proline, which is neutral and non-polar, with leucine, which is neutral and non-polar, at codon 780 of the RAD50 protein (p.Pro780Leu). This variant is not present in population databases (gnomAD no frequency). This variant has not been reported in the literature in individuals affected with RAD50-related conditions. Advanced modeling of protein sequence and biophysical properties (such as structural, functional, and spatial information, amino acid conservation, physicochemical variation, residue mobility, and thermodynamic stability) performed at Invitae indicates that this missense variant is not expected to disrupt RAD50 protein function. In summary, the available evidence is currently insufficient to determine the role of this variant in disease. Therefore, it has been classified as a Variant of Uncertain Significance.